The following is an entry in ClinVar:

NM_001849.4(COL6A2):c.1886C>A (p.Thr629Asn)

Gene: COL6A2 (collagen type VI alpha 2 chain; plus strand). Cytogenetic location: 21q22.3.
Variant type: single nucleotide variant.
Coding change: c.1886C>A on transcript NM_001849.4 (MANE Select); coding-DNA position 1886, C replaced by A.
Protein change: p.Thr629Asn; replaces threonine 629 with asparagine.
Molecular consequence: missense variant.
Genome position (GRCh38, 1-based): chr21:46,125,534, C>A. VCF-style: chr21-46125534-C-A. GRCh37 (hg19) VCF-style: chr21-47545448-C-A.
Other names: c.1886C>A, p.Thr629Asn (NM_058174.3, NM_058175.3); short protein forms T629N.
Identifiers: ClinVar variation 896444 (VCV000896444.6), dbSNP rs753019339, ClinGen allele CA10072321.

ClinVar aggregate classification (germline): Uncertain significance. Review status: criteria provided, multiple submitters, no conflicts (2 of 4 stars). 3 submissions from 3 submitters: Uncertain significance (3). Last evaluated 2025-03-04.

Conditions:
Collagen 6-related myopathy. Identifiers: MedGen CN117976, MONDO:0100225.

Allele frequency attached by ClinVar (database versions not stated): gnomAD below 0.00001 and 0.00001; TOPMed below 0.00001; ExAC 0.00003; gnomAD exomes 0.00003.
gnomAD v4.1: 22 of 1,612,984 alleles (0.0014%); highest among the groups gnomAD compares: South Asian, 0.021%; no homozygotes.

Submissions (3):

GeneDx
Classification: Uncertain significance. Last evaluated: 2025-03-04. Review status: criteria provided, single submitter. Criteria: GeneDx Variant Classification Process June 2021. Collection method: clinical testing. Allele origin: germline. Affected: yes.
Comment: In silico analysis indicates that this missense variant does not alter protein structure/function; Has not been previously published as pathogenic or benign to our knowledge

Revvity Omics, Revvity
Classification: Uncertain significance. Last evaluated: 2024-06-24. Review status: criteria provided, single submitter. Criteria: ACMG Guidelines, 2015. Collection method: clinical testing. Allele origin: germline.

Illumina Laboratory Services, Illumina
Classification: Uncertain significance for Collagen VI-related myopathy. Last evaluated: 2018-01-13. Review status: criteria provided, single submitter. Criteria: ICSL Variant Classification Criteria 13 December 2019. Collection method: clinical testing. Allele origin: germline.